The following is an entry in ClinVar:

ClinVar aggregate classification (germline): Uncertain significance. Review status: criteria provided, single submitter (1 of 4 stars). 2 submissions from 2 submitters: Uncertain significance (1). 1 of the submissions does not count toward it. Last evaluated 2025-08-07.

Conditions:
Prostate cancer, hereditary, 1 (HPC1). Identifiers: Orphanet 1331, MedGen C4722327, MONDO:0011098, OMIM 601518.

Submissions (2):

Labcorp Genetics (formerly Invitae), Labcorp
Classification: Uncertain significance. Last evaluated: 2025-08-07. Review status: criteria provided, single submitter. Criteria: Invitae Variant Classification Sherloc (09022015). Collection method: clinical testing. Allele origin: germline.
Comment: This sequence change replaces alanine, which is neutral and non-polar, with valine, which is neutral and non-polar, at codon 49 of the HOXB13 protein (p.Ala49Val). This variant is not present in population databases (gnomAD no frequency). This variant has not been reported in the literature in individuals affected with HOXB13-related conditions. ClinVar contains an entry for this variant (Variation ID: 690553). An algorithm developed to predict the effect of missense changes on protein structure and function (PolyPhen-2) suggests that this variant is likely to be tolerated. In summary, the available evidence is currently insufficient to determine the role of this variant in disease. Therefore, it has been classified as a Variant of Uncertain Significance.

Laboratory of Virology, Microbiology,  Quality and Medical Biotechnologies, Faculty of Sciences and Techniques - Mohammedia, Hassan II University of Casablanca
Classification: Uncertain significance for Prostate cancer, hereditary, 1. Review status: no assertion criteria provided. Collection method: clinical testing. Allele origin: somatic. Affected: yes. Not counted in ClinVar's aggregate classification.

NM_006361.6(HOXB13):c.146C>T (p.Ala49Val)

Gene: HOXB13 (homeobox B13; minus strand). Cytogenetic location: 17q21.32.
Variant type: single nucleotide variant.
Coding change: c.146C>T on transcript NM_006361.6 (MANE Select); coding-DNA position 146, C replaced by T.
Protein change: p.Ala49Val; replaces alanine 49 with valine.
Molecular consequence: missense variant.
Genome position (GRCh38, 1-based): chr17:48,728,448, G>A on the plus strand (C>T on the coding strand, the complement: HOXB13 is on the minus strand). VCF-style: chr17-48728448-G-A. GRCh37 (hg19) VCF-style: chr17-46805810-G-A.
Other names: short protein forms A49V.
Identifiers: ClinVar variation 690553 (VCV000690553.7), dbSNP rs1597935024, ClinGen allele CA400109120.